The following is an entry in ClinVar:

NM_000153.4(GALC):c.1648dup (p.Ser550fs)

Gene: GALC (galactosylceramidase; minus strand). Cytogenetic location: 14q31.3.
Variant type: Duplication.
Coding change: c.1648dup on transcript NM_000153.4 (MANE Select); coding-DNA position 1648, one base duplicated (A; older notation c.1648dupA).
Protein change: p.Ser550fs; shifts the reading frame from serine 550.
Molecular consequence: frameshift variant.
Genome position (GRCh38, 1-based): chr14:87,945,575, T duplicated on the plus strand (A on the coding strand, the reverse complement: GALC is on the minus strand). VCF-style (leftmost placement, unchanged base first): chr14-87945574-C-CT. GRCh37 (hg19) VCF-style: chr14-88411918-C-CT.
Other names: c.1579dup, p.Ser527fs (NM_001201401.2); c.1570dup, p.Ser524fs (NM_001201402.2); short protein forms S550fs, S524fs, S527fs.
Identifiers: ClinVar variation 1378825 (VCV001378825.6), dbSNP rs2139951107, ClinGen allele CA2573150291.

ClinVar aggregate classification (germline): Pathogenic (1 of 4 stars; one submission).

Conditions:
Galactosylceramide beta-galactosidase deficiency. Also called: Krabbe Disease; Leukodystrophy, Globoid Cell; GALACTOCEREBROSIDASE DEFICIENCY; GALC DEFICIENCY; GLOBOID CELL LEUKOENCEPHALOPATHY. Identifiers: Orphanet 487, MedGen C0023521, MONDO:0009499, OMIM 245200.

Submission:

Labcorp Genetics (formerly Invitae), Labcorp
Classification: Pathogenic for Galactosylceramide beta-galactosidase deficiency. Last evaluated: 2021-10-15. Review status: criteria provided, single submitter. Criteria: Invitae Variant Classification Sherloc (09022015). Collection method: clinical testing. Allele origin: germline.
Comment: For these reasons, this variant has been classified as Pathogenic. This variant has not been reported in the literature in individuals affected with GALC-related conditions. This variant is not present in population databases (ExAC no frequency). This sequence change creates a premature translational stop signal (p.Ser550Lysfs*16) in the GALC gene. It is expected to result in an absent or disrupted protein product. Loss-of-function variants in GALC are known to be pathogenic (PMID: 7437911, 9272171, 16607461).

Literature cited by the submitters: PubMed 7437911; PubMed 9272171; PubMed 16607461.